The following is an entry in ClinVar:

ClinVar aggregate classification (germline): Uncertain significance (1 of 4 stars; one submission).

Submission:

Ambry Genetics
Classification: Uncertain significance. Last evaluated: 2025-06-25. Review status: criteria provided, single submitter. Criteria: Ambry Variant Classification Scheme 2023. Collection method: clinical testing. Allele origin: germline.
Comment: The p.F683I variant (also known as c.2047T>A), located in coding exon 1 of the TET2 gene, results from a T to A substitution at nucleotide position 2047. The phenylalanine at codon 683 is replaced by isoleucine, an amino acid with highly similar properties. This amino acid position is conserved. In addition, this alteration is predicted to be tolerated by in silico analysis. Based on the available evidence, the clinical significance of this variant remains unclear.

NM_001127208.3(TET2):c.2047T>A (p.Phe683Ile)

Genes: TET2 (tet methylcytosine dioxygenase 2; plus strand), TET2-AS1 (TET2 antisense RNA 1; minus strand). Cytogenetic location: 4q24.
Variant type: single nucleotide variant.
Coding change: c.2047T>A on transcript NM_001127208.3 (MANE Select); coding-DNA position 2047, T replaced by A.
Protein change: p.Phe683Ile; replaces phenylalanine 683 with isoleucine.
Molecular consequence: missense variant.
Genome position (GRCh38, 1-based): chr4:105,235,989, T>A. VCF-style: chr4-105235989-T-A. GRCh37 (hg19) VCF-style: chr4-106157146-T-A.
Other names: c.2047T>A, p.Phe683Ile (NM_017628.4); short protein forms F683I.
Identifiers: ClinVar variation 4182935 (VCV004182935.1).